The following is an entry in ClinVar:

ClinVar aggregate classification (germline): Pathogenic (1 of 4 stars; one submission).

Conditions:
Fanconi anemia (FA). Also called: Fanconi's anemia. Identifiers: Orphanet 84, MedGen C0015625, MeSH D005199, MONDO:0019391.

Submission:

Labcorp Genetics (formerly Invitae), Labcorp
Classification: Pathogenic for Fanconi anemia. Last evaluated: 2022-04-14. Review status: criteria provided, single submitter. Criteria: Invitae Variant Classification Sherloc (09022015). Collection method: clinical testing. Allele origin: germline.
Comment: This variant is a gross deletion of the genomic region encompassing exon(s) 9-20 of the FANCA gene. This deletion is out-of-frame, and is expected to create a premature termination codon and result in an absent or disrupted protein product. Loss-of-function variants in FANCA are known to be pathogenic (PMID: 19367192). A similar copy number variant has been observed in individual(s) with Fanconi anemia (PMID: 29098742). In at least one individual the data is consistent with being in trans (on the opposite chromosome) from a pathogenic variant. For these reasons, this variant has been classified as Pathogenic.

Literature cited by the submitters: PubMed 19367192; PubMed 29098742.

NC_000016.9:g.(?_89845199)_(89866056_?)del

Gene: FANCA (FA complementation group A; minus strand). Cytogenetic location: 16q24.3.
Variant type: Deletion.
Identifiers: ClinVar variation 1075502 (VCV001075502.7).